The following is an entry in ClinVar:

NM_198271.5(LMOD3):c.521A>T (p.Glu174Val)

Gene: LMOD3 (leiomodin 3; minus strand). Cytogenetic location: 3p14.1.
Variant type: single nucleotide variant.
Coding change: c.521A>T on transcript NM_198271.5 (MANE Select); coding-DNA position 521, A replaced by T.
Protein change: p.Glu174Val; replaces glutamic acid 174 with valine.
Molecular consequence: missense variant.
Genome position (GRCh38, 1-based): chr3:69,119,834, T>A on the plus strand (A>T on the coding strand, the complement: LMOD3 is on the minus strand). VCF-style: chr3-69119834-T-A. GRCh37 (hg19) VCF-style: chr3-69168985-T-A.
Other names: c.521A>T, p.Glu174Val (NM_001304418.3); short protein forms E174V.
Identifiers: ClinVar variation 572078 (VCV000572078.8), dbSNP rs1559662229, ClinGen allele CA353476180.
Genomic context (GRCh38, chr3:69,119,834, plus strand): 5'-TTGTCAGTTACCTGCTGGCAGTTGTTCTCACAATTTCTAATTTGTTCCTTTGCTTTGCCT[T>A]CCTCTTCTCTGTTCGTTTCTTCACTCTCTTCACCATCATCTTCTCCTTCGTCGTCATCAT-3'
Protein context (NP_938012.2, residues 164-184): EESEETNREE[Glu174Val]GKAKEQIRNC

ClinVar aggregate classification (germline): Uncertain significance (1 of 4 stars; one submission).

Conditions:
Nemaline myopathy 10 (NEM10). Identifiers: MedGen C4015360, MONDO:0014513, OMIM 616165.

Submission:

Labcorp Genetics (formerly Invitae), Labcorp
Classification: Uncertain significance for Nemaline myopathy 10. Last evaluated: 2024-01-19. Review status: criteria provided, single submitter. Criteria: Invitae Variant Classification Sherloc (09022015). Collection method: clinical testing. Allele origin: germline.
Comment: This sequence change replaces glutamic acid, which is acidic and polar, with valine, which is neutral and non-polar, at codon 174 of the LMOD3 protein (p.Glu174Val). This variant is not present in population databases (gnomAD no frequency). This variant has not been reported in the literature in individuals affected with LMOD3-related conditions. ClinVar contains an entry for this variant (Variation ID: 572078). An algorithm developed to predict the effect of missense changes on protein structure and function (PolyPhen-2) suggests that this variant is likely to be tolerated. Algorithms developed to predict the effect of sequence changes on RNA splicing suggest that this variant may create or strengthen a splice site. In summary, the available evidence is currently insufficient to determine the role of this variant in disease. Therefore, it has been classified as a Variant of Uncertain Significance.